The following is an entry in ClinVar:

NM_001385641.1(SAMD11):c.1738G>C (p.Gly580Arg)

Gene: SAMD11 (sterile alpha motif domain containing 11; plus strand). Cytogenetic location: 1p36.33.
Variant type: single nucleotide variant.
Coding change: c.1738G>C on transcript NM_001385641.1 (MANE Select); coding-DNA position 1738, G replaced by C.
Protein change: p.Gly580Arg; replaces glycine 580 with arginine.
Molecular consequence: missense variant.
Genome position (GRCh38, 1-based): chr1:942,743, G>C. VCF-style: chr1-942743-G-C. GRCh37 (hg19) VCF-style: chr1-878123-G-C.
Other names: c.1741G>C, p.Gly581Arg (NM_001385640.1); c.1249G>C, p.Gly417Arg (NM_152486.4); short protein forms G417R, G581R, G580R.
Identifiers: ClinVar variation 1946658 (VCV001946658.3), dbSNP rs1006932434, ClinGen allele CA16724992.

ClinVar aggregate classification (germline): Uncertain significance (1 of 4 stars; one submission).

Allele frequency attached by ClinVar (database versions not stated): TOPMed 0.00001.

Submission:

Labcorp Genetics (formerly Invitae), Labcorp
Classification: Uncertain significance. Last evaluated: 2022-01-31. Review status: criteria provided, single submitter. Criteria: Invitae Variant Classification Sherloc (09022015). Collection method: clinical testing. Allele origin: germline.
Comment: In summary, the available evidence is currently insufficient to determine the role of this variant in disease. Therefore, it has been classified as a Variant of Uncertain Significance. Algorithms developed to predict the effect of missense changes on protein structure and function (SIFT, PolyPhen-2, Align-GVGD) all suggest that this variant is likely to be tolerated. This variant has not been reported in the literature in individuals affected with SAMD11-related conditions. This variant is not present in population databases (gnomAD no frequency). This sequence change replaces glycine, which is neutral and non-polar, with arginine, which is basic and polar, at codon 417 of the SAMD11 protein (p.Gly417Arg).